The following is an entry in ClinVar:

ClinVar aggregate classification (germline): Likely pathogenic. Review status: criteria provided, single submitter (1 of 4 stars). 2 submissions from 2 submitters: Likely pathogenic (1). 1 of the submissions does not count toward it. Last evaluated 2026-03-31.

Conditions:
Hereditary cancer-predisposing syndrome. Also called: Neoplastic Syndromes, Hereditary; Tumor predisposition; Hereditary Cancer Syndrome; Hereditary neoplastic syndrome. Identifiers: Orphanet 140162, MedGen C0027672, MeSH D009386, MONDO:0015356.
Familial adenomatous polyposis 1 (FAP1). Also called: FAMILIAL ADENOMATOUS POLYPOSIS 1, ATTENUATED; POLYPOSIS, ADENOMATOUS INTESTINAL. Identifiers: MedGen C2713442, MONDO:0021056, OMIM 175100. Disease mechanism: loss of function.

Submissions (2):

Ambry Genetics
Classification: Likely pathogenic for Hereditary cancer-predisposing syndrome. Last evaluated: 2026-03-31. Review status: criteria provided, single submitter. Criteria: Ambry Variant Classification Scheme 2023. Collection method: clinical testing. Allele origin: germline.
Comment: The c.569dupA variant, located in coding exon 4 of the NTHL1 gene, results from a duplication of A at nucleotide position 569, causing a translational frameshift with a predicted alternate stop codon (p.Q191Afs*82). This alteration occurs at the 3' terminus of the NTHL1 gene, is not expected to trigger nonsense-mediated mRNA decay, and impacts the last 122 amino acids of the protein. However, premature stop codons are typically deleterious in nature and a significant portion of the protein is affected (Ambry internal data). This variant is considered to be rare based on population cohorts in the Genome Aggregation Database (gnomAD). Based on the supporting evidence, this alteration is interpreted as a disease-causing mutation.

Biotechnology, Institute of Science, Nirma University
Classification: Uncertain significance for Familial adenomatous polyposis 1. Last evaluated: 2023-04-01. Review status: no assertion criteria provided. Collection method: clinical testing. Allele origin: germline. Inheritance: Autosomal recessive inheritance. Affected: no. Observed: 1 variant allele, 1 heterozygote. Not counted in ClinVar's aggregate classification.
Comment: Reports indicate that FAP occur with the homozygous inheritence wherein both the alleles are affected. There could be a possibility that with the second acquired hit in future this particular mutation could play role in FAP. The Variant is a novel variant.

Literature cited by the submitters: PubMed 32239880 (cited by Biotechnology, Institute of Science, Nirma University); PubMed 33980861 (cited by Biotechnology, Institute of Science, Nirma University); PubMed 34367820 (cited by Biotechnology, Institute of Science, Nirma University).

NM_002528.7(NTHL1):c.545dup (p.Gln183fs)

Gene: NTHL1 (nth like DNA glycosylase 1; minus strand). Cytogenetic location: 16p13.3.
Variant type: Duplication.
Coding change: c.545dup on transcript NM_002528.7 (MANE Select); coding-DNA position 545, one base duplicated (A; older notation c.545dupA).
Protein change: p.Gln183fs; shifts the reading frame from glutamine 183.
Molecular consequence: frameshift variant.
Genome position (GRCh38, 1-based): chr16:2,043,707, T duplicated on the plus strand (A on the coding strand, the reverse complement: NTHL1 is on the minus strand); the first of 2 consecutive T bases (chr16:2,043,707-2,043,708); duplicating either gives the same sequence. VCF-style (leftmost placement, unchanged base first): chr16-2043706-C-CT. GRCh37 (hg19) VCF-style: chr16-2093707-C-CT.
Other names: c.374dup, p.Gln126fs (NM_001318193.2); c.215dup, p.Gln73fs (NM_001318194.2); short protein forms Q126fs, Q183fs, Q73fs.
Identifiers: ClinVar variation 2565698 (VCV002565698.5), dbSNP rs2548315238, ClinGen allele CA2580613373.